The following is an entry in ClinVar:

NM_007194.4(CHEK2):c.1381G>T (p.Asp461Tyr)

Gene: CHEK2 (checkpoint kinase 2; minus strand). Cytogenetic location: 22q12.1.
Variant type: single nucleotide variant.
Coding change: c.1381G>T on transcript NM_007194.4 (MANE Select); coding-DNA position 1381, G replaced by T.
Protein change: p.Asp461Tyr; replaces aspartic acid 461 with tyrosine.
Molecular consequence: missense variant.
Genome position (GRCh38, 1-based): chr22:28,694,112, C>A on the plus strand (G>T on the coding strand, the complement: CHEK2 is on the minus strand). VCF-style: chr22-28694112-C-A. GRCh37 (hg19) VCF-style: chr22-29090100-C-A.
Other names: c.1510G>T, p.Asp504Tyr (NM_001005735.3); c.718G>T, p.Asp240Tyr (NM_001257387.3); c.1180G>T, p.Asp394Tyr (NM_001349956.3); c.1294G>T, p.Asp432Tyr (NM_145862.3); short protein forms D240Y, D504Y, D394Y, D461Y, D432Y.
Identifiers: ClinVar variation 1771303 (VCV001771303.2), dbSNP rs2052473783, ClinGen allele CA411094530.
Genomic context (GRCh38, chr22:28,694,112, plus strand): 5'-AGGCTTCTTCTGTCGTAAAACGTGCCTTTGGATCCACTACCAACAACTTCTTGACAAGGT[C>A]CAGAGCTAAAGCAACAATTGGGCAAATCACAGTGAAAAGGATAAATATATTATCAGTAAG-3'
Protein context (NP_009125.1, residues 451-471): VWAEVSEKAL[Asp461Tyr]LVKKLLVVDP

ClinVar aggregate classification (germline): Uncertain significance (1 of 4 stars; one submission).

Conditions:
Hereditary cancer-predisposing syndrome. Also called: Hereditary Cancer Syndrome; Hereditary neoplastic syndrome; Neoplastic Syndromes, Hereditary; Tumor predisposition. Identifiers: Orphanet 140162, MedGen C0027672, MeSH D009386, MONDO:0015356.

Submission:

Ambry Genetics
Classification: Uncertain significance for Hereditary cancer-predisposing syndrome. Last evaluated: 2020-03-31. Review status: criteria provided, single submitter. Criteria: Ambry Variant Classification Scheme 2023. Collection method: clinical testing. Allele origin: germline.
Comment: The p.D461Y variant (also known as c.1381G>T), located in coding exon 12 of the CHEK2 gene, results from a G to T substitution at nucleotide position 1381. The aspartic acid at codon 461 is replaced by tyrosine, an amino acid with highly dissimilar properties. This amino acid position is highly conserved in available vertebrate species. In addition, this alteration is predicted to be deleterious by in silico analysis. Since supporting evidence is limited at this time, the clinical significance of this alteration remains unclear.